The following is an entry in ClinVar:

ClinVar aggregate classification (germline): Uncertain significance (0 of 4 stars; one submission).

Conditions:
RPGRIP1L-related disorder. Also called: RPGRIP1L-related condition; RPGRIP1L-related disorders. Identifiers: MedGen CN239416.

gnomAD v4.1: 5 of 1,613,978 alleles (0.00031%); highest among the groups gnomAD compares: African/African-American, 0.0053%; no homozygotes.

Submission:

PreventionGenetics, part of Exact Sciences
Classification: Uncertain significance for RPGRIP1L-related condition. Last evaluated: 2024-01-03. Review status: no assertion criteria provided. Collection method: clinical testing. Allele origin: germline.
Comment: The RPGRIP1L c.2786C>T variant is predicted to result in the amino acid substitution p.Thr929Ile. To our knowledge, this variant has not been reported in the literature. This variant is reported in 0.0080% of alleles in individuals of African descent in gnomAD. At this time, the clinical significance of this variant is uncertain due to the absence of conclusive functional and genetic evidence.

NM_015272.5(RPGRIP1L):c.2786C>T (p.Thr929Ile)

Gene: RPGRIP1L (RPGRIP1 like; minus strand). Cytogenetic location: 16q12.2.
Variant type: single nucleotide variant.
Coding change: c.2786C>T on transcript NM_015272.5 (MANE Select); coding-DNA position 2786, C replaced by T.
Protein change: p.Thr929Ile; replaces threonine 929 with isoleucine.
Molecular consequence: missense variant.
Genome position (GRCh38, 1-based): chr16:53,641,373, G>A on the plus strand (C>T on the coding strand, the complement: RPGRIP1L is on the minus strand). VCF-style: chr16-53641373-G-A. GRCh37 (hg19) VCF-style: chr16-53675285-G-A.
Other names: c.2786C>T, p.Thr929Ile (NM_001127897.4, NM_001308334.3, NM_001330538.2); short protein forms T929I.
Identifiers: ClinVar variation 3356112 (VCV003356112.1).